The following is an entry in ClinVar:

NM_025137.4(SPG11):c.3365C>T (p.Pro1122Leu)

Gene: SPG11 (SPG11 vesicle trafficking associated, spatacsin; minus strand). Cytogenetic location: 15q21.1.
Variant type: single nucleotide variant.
Coding change: c.3365C>T on transcript NM_025137.4 (MANE Select); coding-DNA position 3365, C replaced by T.
Protein change: p.Pro1122Leu; replaces proline 1122 with leucine.
Molecular consequence: missense variant.
Genome position (GRCh38, 1-based): chr15:44,608,532, G>A on the plus strand (C>T on the coding strand, the complement: SPG11 is on the minus strand). VCF-style: chr15-44608532-G-A. GRCh37 (hg19) VCF-style: chr15-44900730-G-A.
Other names: c.3365C>T, p.Pro1122Leu (NM_001160227.2, NM_001411132.1); short protein forms P1122L.
Identifiers: ClinVar variation 1730653 (VCV001730653.2), dbSNP rs1293371402, ClinGen allele CA392224956.
Genomic context (GRCh38, chr15:44,608,532, plus strand): 5'-GATGGCAGGACACTAGGAGGAGTGCACTGTGGGAAGAGAGCAGTTTTTAGCTTGGGGTAA[G>A]GAGTTAATGCCATCTTCAATAGCTGGGGATCCACTTTCTTCAAACAGTTTTCATTTTCTT-3'
Protein context (NP_079413.3, residues 1112-1132): DPQLLKMALT[Pro1122Leu]YPKLKTALFP

ClinVar aggregate classification (germline): Uncertain significance (1 of 4 stars; one submission).

Conditions:
Inborn genetic diseases. Identifiers: MedGen C0950123, MeSH D030342.

Allele frequency attached by ClinVar (database versions not stated): gnomAD 0.00001; TOPMed 0.00001; gnomAD exomes 0.00002.
gnomAD v4.1: 33 of 1,613,972 alleles (0.002%); highest among the groups gnomAD compares: Non-Finnish European, 0.0028%; no homozygotes.

Submission:

Ambry Genetics
Classification: Uncertain significance for Inborn genetic diseases. Last evaluated: 2021-11-11. Review status: criteria provided, single submitter. Criteria: Ambry Variant Classification Scheme 2023. Collection method: clinical testing. Allele origin: germline.
Comment: The p.P1122L variant (also known as c.3365C>T), located in coding exon 19 of the SPG11 gene, results from a C to T substitution at nucleotide position 3365. The proline at codon 1122 is replaced by leucine, an amino acid with similar properties. This amino acid position is conserved. In addition, this alteration is predicted to be tolerated by in silico analysis. Since supporting evidence is limited at this time, the clinical significance of this alteration remains unclear.